The following is an entry in ClinVar:

ClinVar aggregate classification (germline): Likely benign (1 of 4 stars; one submission).

Submission:

GeneDx
Classification: Likely benign. Last evaluated: 2016-06-21. Review status: criteria provided, single submitter. Criteria: GeneDx Variant Classification (06012015). Collection method: clinical testing. Allele origin: germline. Affected: yes.
Comment: This variant is considered likely benign or benign based on one or more of the following criteria: it is a conservative change, it occurs at a poorly conserved position in the protein, it is predicted to be benign by multiple in silico algorithms, and/or has population frequency not consistent with disease.

NM_004655.4(AXIN2):c.-117+7del

Gene: AXIN2 (axin 2; minus strand). Cytogenetic location: 17q24.1.
Variant type: Deletion.
Coding change: c.-117+7del on transcript NM_004655.4 (MANE Select); 7 bases into the intron after 117 bases upstream of the start codon, one base deleted (G; older notation c.-117+7delG).
Molecular consequence: intron variant.
Genome position (GRCh38, 1-based): chr17:65,561,443, C deleted on the plus strand (G on the coding strand, the reverse complement: AXIN2 is on the minus strand); the first of 5 consecutive C bases (chr17:65,561,443-65,561,447); deleting any one gives the same sequence. VCF-style (leftmost placement, unchanged base first): chr17-65561442-AC-A. GRCh37 (hg19) VCF-style: chr17-63557560-AC-A.
Other names: c.-117+7del (LRG_296t1, NM_001363813.1); c.-117+7delG (NM_004655.3).
Identifiers: ClinVar variation 421514 (VCV000421514.1), dbSNP rs1064795185, ClinGen allele CA16620581.